The following is an entry in ClinVar:

ClinVar aggregate classification (germline): Uncertain significance. Review status: criteria provided, multiple submitters, no conflicts (2 of 4 stars). 2 submissions from 2 submitters: Uncertain significance (2). Last evaluated 2025-08-24.

Conditions:
Inborn genetic diseases. Identifiers: MedGen C0950123, MeSH D030342.
Spastic paraplegia. Identifiers: MedGen C0037772, HP:0001258.

Allele frequency attached by ClinVar (database versions not stated): TOPMed 0.00001.
gnomAD v4.1: 6 of 1,614,214 alleles (0.00037%); highest among the groups gnomAD compares: Admixed American, 0.01%; no homozygotes.

Submissions (2):

Ambry Genetics
Classification: Uncertain significance for Inborn genetic diseases. Last evaluated: 2025-08-24. Review status: criteria provided, single submitter. Criteria: Ambry Variant Classification Scheme 2023. Collection method: clinical testing. Allele origin: germline.

Labcorp Genetics (formerly Invitae), Labcorp
Classification: Uncertain significance for Spastic paraplegia. Last evaluated: 2022-03-04. Review status: criteria provided, single submitter. Criteria: Invitae Variant Classification Sherloc (09022015). Collection method: clinical testing. Allele origin: germline.
Comment: This sequence change replaces leucine, which is neutral and non-polar, with phenylalanine, which is neutral and non-polar, at codon 1401 of the ZFYVE26 protein (p.Leu1401Phe). This variant is present in population databases (no rsID available, gnomAD 0.006%). This variant has not been reported in the literature in individuals affected with ZFYVE26-related conditions. Algorithms developed to predict the effect of missense changes on protein structure and function are either unavailable or do not agree on the potential impact of this missense change (SIFT: "Deleterious"; PolyPhen-2: "Probably Damaging"; Align-GVGD: "Class C0"). In summary, the available evidence is currently insufficient to determine the role of this variant in disease. Therefore, it has been classified as a Variant of Uncertain Significance.

NM_015346.4(ZFYVE26):c.4201C>T (p.Leu1401Phe)

Gene: ZFYVE26 (zinc finger FYVE-type containing 26; minus strand). Cytogenetic location: 14q24.1.
Variant type: single nucleotide variant.
Coding change: c.4201C>T on transcript NM_015346.4 (MANE Select); coding-DNA position 4201, C replaced by T.
Protein change: p.Leu1401Phe; replaces leucine 1401 with phenylalanine.
Molecular consequence: missense variant.
Genome position (GRCh38, 1-based): chr14:67,782,951, G>A on the plus strand (C>T on the coding strand, the complement: ZFYVE26 is on the minus strand). VCF-style: chr14-67782951-G-A. GRCh37 (hg19) VCF-style: chr14-68249668-G-A.
Other names: c.4201C>T (NM_015346.3); short protein forms L1401F.
Identifiers: ClinVar variation 2148825 (VCV002148825.2), dbSNP rs1240129009, ClinGen allele CA390170608.